The following is an entry in ClinVar:

Conditions:
Long QT syndrome 5 (LQT5). Identifiers: Orphanet 101016, Orphanet 768, MedGen C1867904, MONDO:0013372, OMIM 613695.

Submission:

Roden Lab, Vanderbilt University Medical Center
No classification provided (evidence only). Condition: Long QT syndrome 5. Review status: no classification provided. Collection method: in vitro. Allele origin: not applicable. Functional consequence: Effect on ion channel function.
ClinVar note: "not provided" was previously submitted as the classification for the variant. However, the classification appeared to be based only on an observation of functional data so it was converted to no classification on 2025-07-30.

NM_000219.6(KCNE1):c.281A>G (p.Tyr94Cys)

Gene: KCNE1 (potassium voltage-gated channel subfamily E regulatory subunit 1; minus strand). Cytogenetic location: 21q22.12.
Variant type: single nucleotide variant.
Coding change: c.281A>G on transcript NM_000219.6 (MANE Select); coding-DNA position 281, A replaced by G.
Protein change: p.Tyr94Cys; replaces tyrosine 94 with cysteine.
Molecular consequence: missense variant.
Genome position (GRCh38, 1-based): chr21:34,449,354, T>C on the plus strand (A>G on the coding strand, the complement: KCNE1 is on the minus strand). VCF-style: chr21-34449354-T-C. GRCh37 (hg19) VCF-style: chr21-35821652-T-C.
Other names: c.281A>G, p.Tyr94Cys (NM_001127668.4, NM_001127669.4, NM_001127670.4 and 4 more transcripts); short protein forms Y94C.
Identifiers: ClinVar variation 3374523 (VCV003374523.2).
Genomic context (GRCh38, chr21:34,449,354, plus strand): 5'-GCCAGATGGTTTTCAACGACATAGCACGACCTGTAGCTCTCCAGGACCCGGGCCTGGACA[T>C]AGGCCTTGTCCTTCTCTTGCCAGGCATCGGACTCGATGTAGACGTTGAATGGGTCGTTCG-3'
Protein context (NP_000210.2, residues 84-104): SDAWQEKDKA[Tyr94Cys]VQARVLESYR